The following is an entry in ClinVar:

NM_014809.4(KIAA0319):c.3052C>A (p.Arg1018=)

Gene: KIAA0319 (KIAA0319; minus strand). Cytogenetic location: 6p22.3.
Variant type: single nucleotide variant.
Coding change: c.3052C>A on transcript NM_014809.4 (MANE Select); coding-DNA position 3052, C replaced by A.
Protein change: p.Arg1018=; no amino-acid change (arginine 1018 retained).
Molecular consequence: synonymous variant. On other transcripts: 3 prime UTR variant (2).
Genome position (GRCh38, 1-based): chr6:24,547,332, G>T on the plus strand (C>A on the coding strand, the complement: KIAA0319 is on the minus strand). VCF-style: chr6-24547332-G-T. GRCh37 (hg19) VCF-style: chr6-24547560-G-T.
Other names: c.3025C>A, p.Arg1009= (NM_001168374.2); c.3052C>A, p.Arg1018= (NM_001168375.2, NM_001350403.2); c.2917C>A, p.Arg973= (NM_001168376.2, NM_001350406.2); c.2869C>A, p.Arg957= (NM_001168377.2); c.1285C>A, p.Arg429= (NM_001252328.2); c.3034C>A, p.Arg1012= (NM_001350404.2); c.2953C>A, p.Arg985= (NM_001350405.2); c.*24C>A (NM_001350407.2, NM_001350408.2); and 1 more.
Identifiers: ClinVar variation 3234436 (VCV003234436.20), dbSNP rs781434453, ClinGen allele CA448786753.

ClinVar aggregate classification (germline): Likely benign (1 of 4 stars; one submission).

Submission:

CeGaT Center for Human Genetics Tuebingen
Classification: Likely benign. Last evaluated: 2024-03-01. Review status: criteria provided, single submitter. Criteria: CeGaT Center For Human Genetics Tuebingen Variant Classification Criteria Version 2. Collection method: clinical testing. Allele origin: germline. Affected: yes. Observed: 1 variant allele.
Comment: KIAA0319: PM2:Supporting, BP4, BP7